The following is an entry in ClinVar:

ClinVar aggregate classification (germline): Uncertain significance. Review status: criteria provided, multiple submitters, no conflicts (2 of 4 stars). 2 submissions from 2 submitters: Uncertain significance (2). Last evaluated 2025-09-10.

Conditions:
Tumor predisposition syndrome 3 (TPDS3). Also called: Glioma susceptibility 9; LONG TELOMERE SYNDROME, POT1-RELATED; POT1 Tumor Predisposition; Melanoma, cutaneous malignant, susceptibility to, 10. Identifiers: Orphanet 618, MedGen C4014476, MONDO:0014368, OMIM 615848.

Allele frequency attached by ClinVar (database versions not stated): gnomAD exomes below 0.00001.
gnomAD v4.1: 1 of 1,525,756 alleles (0.000066%); highest among the groups gnomAD compares: Admixed American, 0.0024%; no homozygotes.

Submissions (2):

Labcorp Genetics (formerly Invitae), Labcorp
Classification: Uncertain significance for Tumor predisposition syndrome 3. Last evaluated: 2025-09-10. Review status: criteria provided, single submitter. Criteria: Invitae Variant Classification Sherloc (09022015). Collection method: clinical testing. Allele origin: germline.
Comment: This sequence change replaces lysine, which is basic and polar, with glutamic acid, which is acidic and polar, at codon 39 of the POT1 protein (p.Lys39Glu). This variant is not present in population databases (gnomAD no frequency). This variant has not been reported in the literature in individuals affected with POT1-related conditions. ClinVar contains an entry for this variant (Variation ID: 1804407). Invitae Evidence Modeling of protein sequence and biophysical properties (such as structural, functional, and spatial information, amino acid conservation, physicochemical variation, residue mobility, and thermodynamic stability) indicates that this missense variant is not expected to disrupt POT1 protein function with a negative predictive value of 80%. In summary, the available evidence is currently insufficient to determine the role of this variant in disease. Therefore, it has been classified as a Variant of Uncertain Significance.

GeneDx
Classification: Uncertain significance. Last evaluated: 2022-06-16. Review status: criteria provided, single submitter. Criteria: GeneDx Variant Classification Process June 2021. Collection method: clinical testing. Allele origin: germline. Affected: yes.
Comment: Not observed at significant frequency in large population cohorts (gnomAD); In silico analysis supports that this missense variant has a deleterious effect on protein structure/function; Has not been previously published as pathogenic or benign to our knowledge; This variant is associated with the following publications: (PMID: 30556179, 28393830)

NM_015450.3(POT1):c.115A>G (p.Lys39Glu)

Gene: POT1 (protection of telomeres 1; minus strand). Cytogenetic location: 7q31.33.
Variant type: single nucleotide variant.
Coding change: c.115A>G on transcript NM_015450.3 (MANE Select); coding-DNA position 115, A replaced by G.
Protein change: p.Lys39Glu; replaces lysine 39 with glutamic acid.
Molecular consequence: missense variant. On other transcripts: 5 prime UTR variant (1), non-coding transcript variant (3).
Genome position (GRCh38, 1-based): chr7:124,892,275, T>C on the plus strand (A>G on the coding strand, the complement: POT1 is on the minus strand). VCF-style: chr7-124892275-T-C. GRCh37 (hg19) VCF-style: chr7-124532329-T-C.
Other names: c.-148A>G (NM_001042594.2); short protein forms K39E.
Identifiers: ClinVar variation 1804407 (VCV001804407.4), dbSNP rs2485562462, ClinGen allele CA369065969.
Genomic context (GRCh38, chr7:124,892,275, plus strand): 5'-AATCAATAATGCATTTCCACTCCAAAAAACTCCACCAGTTTTAATACCTACCAGTTCCTT[T>C]GCTTAGATATGGGGGCTTAAAGAACTTCACAACACCATAGACATTGACAATTGTACCACC-3'
Protein context (NP_056265.2, residues 29-49): VKFFKPPYLS[Lys39Glu]GTDYCSVVTI